The following is an entry in ClinVar:

ClinVar aggregate classification (germline): Uncertain significance (1 of 4 stars; one submission).

Conditions:
Alpha thalassemia-X-linked intellectual disability syndrome (ATRX). Also called: ALPHA-THALASSEMIA/MENTAL RETARDATION SYNDROME, X-LINKED; ATR, NONDELETION TYPE; ATR-X syndrome; Alpha thalassemia mental retardation syndrome, nondeletion type, X-linked; XLMR hypotonic face syndrome; X-linked alpha-thalassemia-mental retardation syndrome. Identifiers: Orphanet 847, MedGen C1845055, MONDO:0010519, OMIM 301040.

Submission:

Labcorp Genetics (formerly Invitae), Labcorp
Classification: Uncertain significance for Alpha thalassemia-X-linked intellectual disability syndrome. Last evaluated: 2022-11-12. Review status: criteria provided, single submitter. Criteria: Invitae Variant Classification Sherloc (09022015). Collection method: clinical testing. Allele origin: germline.
Comment: This variant is not present in population databases (gnomAD no frequency). This variant has not been reported in the literature in individuals affected with ATRX-related conditions. Advanced modeling of protein sequence and biophysical properties (such as structural, functional, and spatial information, amino acid conservation, physicochemical variation, residue mobility, and thermodynamic stability) performed at Invitae indicates that this missense variant is not expected to disrupt ATRX protein function. In summary, the available evidence is currently insufficient to determine the role of this variant in disease. Therefore, it has been classified as a Variant of Uncertain Significance. This sequence change replaces glutamic acid, which is acidic and polar, with glycine, which is neutral and non-polar, at codon 505 of the ATRX protein (p.Glu505Gly).

NM_000489.6(ATRX):c.1514A>G (p.Glu505Gly)

Gene: ATRX (ATRX chromatin remodeler; minus strand). Cytogenetic location: Xq21.1.
Variant type: single nucleotide variant.
Coding change: c.1514A>G on transcript NM_000489.6 (MANE Select); coding-DNA position 1514, A replaced by G.
Protein change: p.Glu505Gly; replaces glutamic acid 505 with glycine.
Molecular consequence: missense variant.
Genome position (GRCh38, 1-based): chrX:77,683,742, T>C on the plus strand (A>G on the coding strand, the complement: ATRX is on the minus strand). VCF-style: chrX-77683742-T-C. GRCh37 (hg19) VCF-style: chrX-76939234-T-C.
Other names: c.1400A>G, p.Glu467Gly (NM_138270.5); short protein forms E467G, E505G.
Identifiers: ClinVar variation 2902649 (VCV002902649.3), dbSNP rs2519987939, ClinGen allele CA413717633.
Genomic context (GRCh38, chrX:77,683,742, plus strand): 5'-GGAACTGAGGAAGGAACAGACACAATATCCATGTCTAAATCTTCAGAAGTGTTGGCAGGT[T>C]CATATTGAGGTTCTTCTTTTCTATCAGATTTCTTATGTTCACCACCGGTACTTTTATTTG-3'
Protein context (NP_000480.3, residues 495-515): KSDRKEEPQY[Glu505Gly]PANTSEDLDM